The following is an entry in ClinVar:

NM_005559.4(LAMA1):c.8737del (p.Asp2913fs)

Gene: LAMA1 (laminin subunit alpha 1; minus strand). Cytogenetic location: 18p11.31.
Variant type: Deletion.
Coding change: c.8737del on transcript NM_005559.4 (MANE Select); coding-DNA position 8737, one base deleted (G; older notation c.8737delG).
Protein change: p.Asp2913fs; shifts the reading frame from aspartic acid 2913.
Molecular consequence: frameshift variant.
Genome position (GRCh38, 1-based): chr18:6,947,270, C deleted on the plus strand (G on the coding strand, the reverse complement: LAMA1 is on the minus strand). VCF-style (leftmost placement, unchanged base first): chr18-6947269-TC-T. GRCh37 (hg19) VCF-style: chr18-6947268-TC-T.
Other names: short protein forms D2913fs.
Identifiers: ClinVar variation 1075978 (VCV001075978.8), dbSNP rs776769192, ClinGen allele CA8880360.

ClinVar aggregate classification (germline): Pathogenic/Likely pathogenic. Review status: criteria provided, multiple submitters, no conflicts (2 of 4 stars). 2 submissions from 2 submitters: Pathogenic (1); Likely pathogenic (1). Last evaluated 2023-12-08.

Conditions:
Ataxia - intellectual disability - oculomotor apraxia - cerebellar cysts syndrome. Also called: Poretti-Boltshauser syndrome. Identifiers: Orphanet 370022, MedGen C4014821, MONDO:0014419, OMIM 615960.

Allele frequency attached by ClinVar (database versions not stated): gnomAD exomes below 0.00001 and 0.00001; ExAC 0.00001; ESP Exome Variant Server 0.00008.

Submissions (2):

Pittsburgh Clinical Genomics Laboratory, University of Pittsburgh Medical Center
Classification: Likely pathogenic for Ataxia - intellectual disability - oculomotor apraxia - cerebellar cysts syndrome. Last evaluated: 2023-12-08. Review status: criteria provided, single submitter. Criteria: ACMG Guidelines, 2015. Collection method: clinical testing. Allele origin: germline. Inheritance: Autosomal recessive inheritance. Affected: yes.
Comment: This sequence variant is a single nucleotide deletion (delC) in exon 61 of 63 of LAMA1 which results in an early termination codon 2 amino acids downstream of the frameshift at amino acid 2913. This variant is predicted to generate a non-functional allele through either the expression of a truncated protein or a loss of laminin subunit alpha 1 expression due to nonsense mediated decay. This is a previously reported variant (ClinVar 1075978) that has not been observed in individuals affected by LAMA1-related disorders in the published literature, to our knowledge. This variant is present in 1 of 251420 alleles (0.0004%) in the gnomAD population dataset. Studies examining the functional consequence of this variant have not been published, to our knowledge. Based upon the evidence, we consider this variant to be likely pathogenic. ACMG Criteria: PM2, PVS1

Labcorp Genetics (formerly Invitae), Labcorp
Classification: Pathogenic. Last evaluated: 2021-01-01. Review status: criteria provided, single submitter. Criteria: Invitae Variant Classification Sherloc (09022015). Collection method: clinical testing. Allele origin: germline.
Comment: Loss-of-function variants in LAMA1 are known to be pathogenic (PMID: 25105227, 26932191). For these reasons, this variant has been classified as Pathogenic. This variant has not been reported in the literature in individuals with LAMA1-related conditions. This variant is present in population databases (rs776769192, ExAC 0.001%). This sequence change creates a premature translational stop signal (p.Asp2913Metfs*2) in the LAMA1 gene. It is expected to result in an absent or disrupted protein product.

Literature cited by the submitters: PubMed 25105227 (cited by Labcorp Genetics (formerly Invitae), Labcorp); PubMed 26932191 (cited by Labcorp Genetics (formerly Invitae), Labcorp).